The following is an entry in ClinVar:

ClinVar aggregate classification (germline): Uncertain significance. Review status: criteria provided, multiple submitters, no conflicts (2 of 4 stars). 5 submissions from 5 submitters: Uncertain significance (4). 1 of the submissions does not count toward it. Last evaluated 2026-04-20.

Conditions:
Usher syndrome type 2A. Also called: USHER SYNDROME, TYPE IIA; RETINAL DISEASE IN USHER SYNDROME TYPE IIA, MODIFIER OF. Identifiers: Orphanet 231178, Orphanet 886, MedGen C1848634, MONDO:0010169, OMIM 276901.
Inborn genetic diseases. Identifiers: MedGen C0950123, MeSH D030342.
USH2A-related disorder. Also called: USH2A-related condition; USH2A-related disorders. Identifiers: MedGen CN239332.

Allele frequency attached by ClinVar (database versions not stated): ExAC 0.00001; gnomAD 0.00001 and 0.00002; gnomAD exomes 0.00001 and 0.00003; TOPMed 0.00002.
gnomAD v4.1: 11 of 1,613,428 alleles (0.00068%); highest among the groups gnomAD compares: Admixed American, 0.018%; no homozygotes.

Submissions (5):

PreventionGenetics, part of Exact Sciences
Classification: Uncertain significance for USH2A-related condition. Last evaluated: 2026-04-20. Review status: criteria provided, single submitter. Criteria: ACMG Guidelines, 2015. Collection method: clinical testing. Allele origin: germline.
Comment: The USH2A c.5594A>G variant is predicted to result in the amino acid substitution p.Asp1865Gly. To our knowledge, this variant has not been reported in the literature. This variant is reported in 0.023% of alleles in individuals of Latino descent in gnomAD. At this time, the clinical significance of this variant is uncertain due to the absence of conclusive functional and genetic evidence.

Ambry Genetics
Classification: Uncertain significance for Inborn genetic diseases. Last evaluated: 2025-08-04. Review status: criteria provided, single submitter. Criteria: Ambry Variant Classification Scheme 2023. Collection method: clinical testing. Allele origin: germline.

Labcorp Genetics (formerly Invitae), Labcorp
Classification: Uncertain significance. Last evaluated: 2022-10-24. Review status: criteria provided, single submitter. Criteria: Invitae Variant Classification Sherloc (09022015). Collection method: clinical testing. Allele origin: germline.
Comment: This sequence change replaces aspartic acid, which is acidic and polar, with glycine, which is neutral and non-polar, at codon 1865 of the USH2A protein (p.Asp1865Gly). This variant is present in population databases (rs760543320, gnomAD 0.02%). This variant has not been reported in the literature in individuals affected with USH2A-related conditions. ClinVar contains an entry for this variant (Variation ID: 846231). Advanced modeling of protein sequence and biophysical properties (such as structural, functional, and spatial information, amino acid conservation, physicochemical variation, residue mobility, and thermodynamic stability) has been performed at Invitae for this missense variant, however the output from this modeling did not meet the statistical confidence thresholds required to predict the impact of this variant on USH2A protein function. In summary, the available evidence is currently insufficient to determine the role of this variant in disease. Therefore, it has been classified as a Variant of Uncertain Significance.

Blueprint Genetics
Classification: Uncertain significance. Last evaluated: 2019-05-30. Review status: criteria provided, single submitter. Criteria: ACMG Guidelines, 2015. Collection method: clinical testing. Allele origin: germline.

Natera, Inc.
Classification: Uncertain significance for Usher syndrome type 2A. Last evaluated: 2020-09-16. Review status: no assertion criteria provided. Collection method: clinical testing. Allele origin: germline. Not counted in ClinVar's aggregate classification.

NM_206933.4(USH2A):c.5594A>G (p.Asp1865Gly)

Genes: USH2A (usherin; minus strand), USH2A-AS2 (USH2A antisense RNA 2; plus strand). Cytogenetic location: 1q41.
Variant type: single nucleotide variant.
Coding change: c.5594A>G on transcript NM_206933.4 (MANE Select); coding-DNA position 5594, A replaced by G.
Protein change: p.Asp1865Gly; replaces aspartic acid 1865 with glycine.
Molecular consequence: missense variant.
Genome position (GRCh38, 1-based): chr1:216,073,279, T>C on the plus strand (A>G on the coding strand, the complement: USH2A is on the minus strand). VCF-style: chr1-216073279-T-C. GRCh37 (hg19) VCF-style: chr1-216246621-T-C.
Other names: short protein forms D1865G.
Identifiers: ClinVar variation 846231 (VCV000846231.7), dbSNP rs760543320, ClinGen allele CA1395407.
Genomic context (GRCh38, chr1:216,073,279, plus strand): 5'-CTGACAGCACCGCTGGACACAGATGCCAAGTTAACGACAGCACCCCGTGTAAATTTAACA[T>C]CCTTCATGCAACCACCGAAACCTAGCAAATAGTAAGGGATTAGTATCGCATAAAGGGCTT-3'
Protein context (NP_996816.3, residues 1855-1875): LEQGFGGCMK[Asp1865Gly]VKFTRGAVVN